The following is an entry in ClinVar:

ClinVar aggregate classification (germline): Pathogenic; other. Review status: no assertion criteria provided (0 of 4 stars). 3 submissions from 2 submitters: Pathogenic (1). Last evaluated 2016-07-20.

Conditions:
Alpha-1-antitrypsin deficiency (A1ATD). Also called: AAT deficiency; A1AT deficiency; Alpha1-Antitrypsin Deficiency. Identifiers: Orphanet 60, MedGen C0221757, MONDO:0013282, OMIM 613490.
PI Q0(HONG KONG 1).
PI NULL(HONG KONG 1).

Submissions (3):

OMIM
Classification: other for PI NULL(HONG KONG 1). Last evaluated: 2016-07-20. Review status: no assertion criteria provided. Collection method: literature only. Allele origin: germline.

OMIM
Classification: other for PI Q0(HONG KONG 1). Last evaluated: 2016-07-20. Review status: no assertion criteria provided. Collection method: literature only. Allele origin: germline.

GeneReviews
Classification: Pathogenic for Alpha-1-antitrypsin deficiency. Last evaluated: 2014-05-01. Review status: no assertion criteria provided. Collection method: literature only. Allele origin: germline. Affected: yes.
Comment: Disease association: lung

Literature cited by the submitters: PubMed 3259232 (cited by OMIM); PubMed 2807278 (cited by OMIM); PubMed 14985567 (cited by GeneReviews).

PI NULL(HONG KONG 1)

Gene: SERPINA1 (serpin family A member 1; minus strand). Cytogenetic location: 14q32.13.
Variant type: Microsatellite.
Molecular consequence: frameshift variant (on NM_000295.5).
Genome position: GRCh38 VCF-style: chr14-94379500-GGA-G. GRCh37 (hg19) VCF-style: chr14-94845837-GGA-G.
Other names: PI Q0(HONG KONG 1); c.1027_1028del (NM_001127701.1); c.1027_1028del, p.Ser343fs (NM_000295.5, NM_001002235.3, NM_001002236.3 and 8 more transcripts); short protein forms S343fs.
Identifiers: ClinVar variation 17980 (VCV000017980.2), dbSNP rs1057519610, ClinGen allele CA16602244.